The following is an entry in ClinVar:

ClinVar aggregate classification (germline): Uncertain significance (1 of 4 stars; one submission).

Conditions:
Brugada syndrome. Also called: Sudden Unexplained Death Syndrome; Sudden Unexplained Nocturnal Death Syndrome (SUNDS); Sudden unexplained nocturnal death syndrome; Sudden unexpected nocturnal death syndrome. Identifiers: Orphanet 130, MedGen C1142166, MONDO:0015263.

Submission:

Labcorp Genetics (formerly Invitae), Labcorp
Classification: Uncertain significance for Brugada syndrome. Last evaluated: 2024-11-21. Review status: criteria provided, single submitter. Criteria: Invitae Variant Classification Sherloc (09022015). Collection method: clinical testing. Allele origin: germline.
Comment: This sequence change replaces serine, which is neutral and polar, with arginine, which is basic and polar, at codon 551 of the SLMAP protein (p.Ser551Arg). This variant is not present in population databases (gnomAD no frequency). This variant has not been reported in the literature in individuals affected with SLMAP-related conditions. ClinVar contains an entry for this variant (Variation ID: 1351742). An algorithm developed to predict the effect of missense changes on protein structure and function outputs the following: PolyPhen-2: "Benign". The arginine amino acid residue is found in multiple mammalian species, which suggests that this missense change does not adversely affect protein function. In summary, the available evidence is currently insufficient to determine the role of this variant in disease. Therefore, it has been classified as a Variant of Uncertain Significance.

NM_001377540.1(SLMAP):c.1753A>C (p.Ser585Arg)

Gene: SLMAP (sarcolemma associated protein; plus strand). Cytogenetic location: 3p14.3.
Variant type: single nucleotide variant.
Coding change: c.1753A>C on transcript NM_001377540.1 (MANE Select); coding-DNA position 1753, A replaced by C.
Protein change: p.Ser585Arg; replaces serine 585 with arginine.
Molecular consequence: missense variant. On other transcripts: non-coding transcript variant (1).
Genome position (GRCh38, 1-based): chr3:57,912,434, A>C. VCF-style: chr3-57912434-A-C. GRCh37 (hg19) VCF-style: chr3-57898161-A-C.
Other names: c.1702A>C, p.Ser568Arg (NM_001304420.3, NM_001377541.1, NM_001377542.1); c.1588A>C, p.Ser530Arg (NM_001304421.2, NM_001377557.1, NM_001377559.1); c.304A>C, p.Ser102Arg (NM_001304422.3, NM_001311178.2); c.106A>C, p.Ser36Arg (NM_001304423.3); c.181A>C, p.Ser61Arg (NM_001311179.2, NM_001377926.1, NM_001377927.1 and 1 more transcripts); c.1774A>C, p.Ser592Arg (NM_001377538.1); c.1753A>C, p.Ser585Arg (NM_001377539.1); c.1690A>C, p.Ser564Arg (NM_001377545.1); and 8 more; short protein forms S523R, S551R, S36R, S489R, S506R, S527R, S61R, S510R.
Identifiers: ClinVar variation 1351742 (VCV001351742.8), dbSNP rs370779290, ClinGen allele CA353408233.
Genomic context (GRCh38, chr3:57,912,434, plus strand): 5'-TTTGCAGCCCAATTGCAGAGGTTACACATCGATACTGAGAATCTCCGGGAGGAGAAGGAC[A>C]GTGAAATCACAAGTACTAGAGATGAATTGCTTAGTGCCCGAGATGAAATTTTGCTCCTTC-3'
Protein context (NP_001364469.1, residues 575-595): DTENLREEKD[Ser585Arg]EITSTRDELL